The following is an entry in ClinVar:

ClinVar aggregate classification (germline): Likely benign (0 of 4 stars; one submission).

Conditions:
ZIC2-related disorder. Also called: ZIC2-related condition.

Submission:

PreventionGenetics, part of Exact Sciences
Classification: Likely benign for ZIC2-related condition. Last evaluated: 2020-06-01. Review status: no assertion criteria provided. Collection method: clinical testing. Allele origin: germline.
Comment: This variant is classified as likely benign based on ACMG/AMP sequence variant interpretation guidelines (Richards et al. 2015 PMID: 25741868, with internal and published modifications).

NM_007129.5(ZIC2):c.279T>G (p.Ala93=)

Gene: ZIC2 (Zic family member 2; plus strand). Cytogenetic location: 13q32.3.
Variant type: single nucleotide variant.
Coding change: c.279T>G on transcript NM_007129.5 (MANE Select); coding-DNA position 279, T replaced by G.
Protein change: p.Ala93=; no amino-acid change (alanine 93 retained).
Molecular consequence: synonymous variant.
Genome position (GRCh38, 1-based): chr13:99,982,343, T>G. VCF-style: chr13-99982343-T-G. GRCh37 (hg19) VCF-style: chr13-100634597-T-G.
Identifiers: ClinVar variation 3057029 (VCV003057029.2), dbSNP rs2501542439, ClinGen allele CA484760082.